The following is an entry in ClinVar:

NM_153006.3(NAGS):c.34G>A (p.Ala12Thr)

Gene: NAGS (N-acetylglutamate synthase; plus strand). Cytogenetic location: 17q21.31.
Variant type: single nucleotide variant.
Coding change: c.34G>A on transcript NM_153006.3 (MANE Select); coding-DNA position 34, G replaced by A.
Protein change: p.Ala12Thr; replaces alanine 12 with threonine.
Molecular consequence: missense variant.
Genome position (GRCh38, 1-based): chr17:44,004,697, G>A. VCF-style: chr17-44004697-G-A. GRCh37 (hg19) VCF-style: chr17-42082065-G-A.
Other names: c.34G>A (NM_153006.2); short protein forms A12T.
Identifiers: ClinVar variation 1410404 (VCV001410404.6), dbSNP rs759453873, ClinGen allele CA8595082.

ClinVar aggregate classification (germline): Uncertain significance. Review status: criteria provided, multiple submitters, no conflicts (2 of 4 stars). 2 submissions from 2 submitters: Uncertain significance (2). Last evaluated 2023-12-13.

Conditions:
Inborn genetic diseases. Identifiers: MedGen C0950123, MeSH D030342.
Hyperammonemia, type III (NAGSD). Also called: Hyperammonemia due to N-acetylglutamate synthase deficiency. Identifiers: Orphanet 927, MedGen C0268543, MONDO:0009377, OMIM 237310.

Allele frequency attached by ClinVar (database versions not stated): gnomAD 0.00001.
gnomAD v4.1: 12 of 1,529,292 alleles (0.00078%); highest among the groups gnomAD compares: African/African-American, 0.0014%; no homozygotes.

Submissions (2):

Ambry Genetics
Classification: Uncertain significance for Inborn genetic diseases. Last evaluated: 2023-12-13. Review status: criteria provided, single submitter. Criteria: Ambry Variant Classification Scheme 2023. Collection method: clinical testing. Allele origin: germline.

Labcorp Genetics (formerly Invitae), Labcorp
Classification: Uncertain significance for Hyperammonemia, type III. Last evaluated: 2021-09-17. Review status: criteria provided, single submitter. Criteria: Invitae Variant Classification Sherloc (09022015). Collection method: clinical testing. Allele origin: germline.
Comment: This sequence change replaces alanine with threonine at codon 12 of the NAGS protein (p.Ala12Thr). The alanine residue is weakly conserved and there is a small physicochemical difference between alanine and threonine. The frequency data for this variant in the population databases is considered unreliable, as metrics indicate poor data quality at this position in the ExAC database. This variant has not been reported in the literature in individuals with NAGS-related conditions. Algorithms developed to predict the effect of missense changes on protein structure and function output the following: SIFT: "Tolerated"; PolyPhen-2: "Unavailable"; Align-GVGD: "Class C0". The threonine amino acid residue is found in multiple mammalian species, suggesting that this missense change does not adversely affect protein function. These predictions have not been confirmed by published functional studies and their clinical significance is uncertain. In summary, the available evidence is currently insufficient to determine the role of this variant in disease. Therefore, it has been classified as a Variant of Uncertain Significance.